The following is an entry in ClinVar:

NM_001372080.1(ZSCAN29):c.1950C>T (p.Pro650=)

Gene: ZSCAN29 (zinc finger and SCAN domain containing 29; minus strand). Cytogenetic location: 15q15.3.
Variant type: single nucleotide variant.
Coding change: c.1950C>T on transcript NM_001372080.1 (MANE Select); coding-DNA position 1950, C replaced by T.
Protein change: p.Pro650=; no amino-acid change (proline 650 retained).
Molecular consequence: synonymous variant.
Genome position (GRCh38, 1-based): chr15:43,361,682, G>A on the plus strand (C>T on the coding strand, the complement: ZSCAN29 is on the minus strand). VCF-style: chr15-43361682-G-A. GRCh37 (hg19) VCF-style: chr15-43653880-G-A.
Other names: c.1950C>T, p.Pro650= (NM_152455.4).
Identifiers: ClinVar variation 3050824 (VCV003050824.2), dbSNP rs764692683, ClinGen allele CA7523168.

ClinVar aggregate classification (germline): Likely benign (0 of 4 stars; one submission).

Conditions:
ZSCAN29-related disorder. Also called: ZSCAN29-related condition.

Allele frequency attached by ClinVar (database versions not stated): TOPMed below 0.00001; gnomAD 0.00001; gnomAD exomes 0.00001; ExAC 0.00002.

Submission:

PreventionGenetics, part of Exact Sciences
Classification: Likely benign for ZSCAN29-related condition. Last evaluated: 2019-07-23. Review status: no assertion criteria provided. Collection method: clinical testing. Allele origin: germline.
Comment: This variant is classified as likely benign based on ACMG/AMP sequence variant interpretation guidelines (Richards et al. 2015 PMID: 25741868, with internal and published modifications).